The following is an entry in ClinVar:

NM_006846.4(SPINK5):c.2051A>G (p.Glu684Gly)

Gene: SPINK5 (serine peptidase inhibitor Kazal type 5; plus strand). Cytogenetic location: 5q32.
Variant type: single nucleotide variant.
Coding change: c.2051A>G on transcript NM_006846.4 (MANE Select); coding-DNA position 2051, A replaced by G.
Protein change: p.Glu684Gly; replaces glutamic acid 684 with glycine.
Molecular consequence: missense variant.
Genome position (GRCh38, 1-based): chr5:148,116,405, A>G. VCF-style: chr5-148116405-A-G. GRCh37 (hg19) VCF-style: chr5-147495968-A-G.
Other names: c.2051A>G, p.Glu684Gly (NM_001127698.2, NM_001127699.2); short protein forms E684G.
Identifiers: ClinVar variation 1930411 (VCV001930411.5), dbSNP rs2531776859, ClinGen allele CA361644158.

ClinVar aggregate classification (germline): Uncertain significance (1 of 4 stars; one submission).

Conditions:
Ichthyosis linearis circumflexa. Identifiers: MedGen C0265962, MONDO:0043106, HP:0025810.

Submission:

Labcorp Genetics (formerly Invitae), Labcorp
Classification: Uncertain significance for Ichthyosis linearis circumflexa. Last evaluated: 2022-07-13. Review status: criteria provided, single submitter. Criteria: Invitae Variant Classification Sherloc (09022015). Collection method: clinical testing. Allele origin: germline.
Comment: This variant is not present in population databases (gnomAD no frequency). This variant has not been reported in the literature in individuals affected with SPINK5-related conditions. Algorithms developed to predict the effect of missense changes on protein structure and function output the following: SIFT: "Tolerated"; PolyPhen-2: "Benign"; Align-GVGD: "Class C0". The glycine amino acid residue is found in multiple mammalian species, which suggests that this missense change does not adversely affect protein function. In summary, the available evidence is currently insufficient to determine the role of this variant in disease. Therefore, it has been classified as a Variant of Uncertain Significance. This sequence change replaces glutamic acid, which is acidic and polar, with glycine, which is neutral and non-polar, at codon 684 of the SPINK5 protein (p.Glu684Gly).